The following is an entry in ClinVar:

ClinVar aggregate classification (germline): Uncertain significance (1 of 4 stars; one submission).

Submission:

CeGaT Center for Human Genetics Tuebingen
Classification: Uncertain significance. Last evaluated: 2025-07-01. Review status: criteria provided, single submitter. Criteria: CeGaT Center For Human Genetics Tuebingen Variant Classification Criteria Version 2. Collection method: clinical testing. Allele origin: germline. Affected: yes. Observed: 1 variant allele.
Comment: NOTCH1: PM2, PP3

NM_017617.5(NOTCH1):c.3134G>A (p.Cys1045Tyr)

Gene: NOTCH1 (notch receptor 1; minus strand). Cytogenetic location: 9q34.3.
Variant type: single nucleotide variant.
Coding change: c.3134G>A on transcript NM_017617.5 (MANE Select); coding-DNA position 3134, G replaced by A.
Protein change: p.Cys1045Tyr; replaces cysteine 1045 with tyrosine.
Molecular consequence: missense variant.
Genome position (GRCh38, 1-based): chr9:136,508,907, C>T on the plus strand (G>A on the coding strand, the complement: NOTCH1 is on the minus strand). VCF-style: chr9-136508907-C-T. GRCh37 (hg19) VCF-style: chr9-139403359-C-T.
Other names: short protein forms C1045Y.
Identifiers: ClinVar variation 4085406 (VCV004085406.8).
Genomic context (GRCh38, chr9:136,508,907, plus strand): 5'-ACCTCTGTGGCCGGCGCACTCACCTGGCAGTTGGGGCCAGTGTAGCCCTGGGGGCAGGTG[C>T]ACCTGTAGGAGCCGCAGCCGTCCTGACAGGTGCCGCCATGCAGGCAGGGCTGTGAGTCGC-3'
Protein context (NP_060087.3, residues 1035-1055): TCQDGCGSYR[Cys1045Tyr]TCPQGYTGPN